The following is an entry in ClinVar:

NM_001267550.2(TTN):c.87858del (p.Ala29287fs)

Genes: TTN-AS1 (TTN antisense RNA 1; plus strand), TTN (titin; minus strand). Cytogenetic location: 2q31.2.
Variant type: Deletion.
Coding change: c.87858del on transcript NM_001267550.2 (MANE Select); coding-DNA position 87858, one base deleted (A; older notation c.87858delA).
Protein change: p.Ala29287fs; shifts the reading frame from alanine 29287.
Molecular consequence: frameshift variant.
Genome position (GRCh38, 1-based): chr2:178,557,404, T deleted on the plus strand (A on the coding strand, the reverse complement: TTN is on the minus strand); the first of 5 consecutive T bases (chr2:178,557,404-178,557,408); deleting any one gives the same sequence. VCF-style (leftmost placement, unchanged base first): chr2-178557403-CT-C. GRCh37 (hg19) VCF-style: chr2-179422130-CT-C.
Other names: c.82935del, p.Ala27646fs (NM_001256850.1); c.60663del, p.Ala20222fs (NM_003319.4); c.80154del, p.Ala26719fs (NM_133378.4); c.61038del, p.Ala20347fs (NM_133432.3); c.61239del, p.Ala20414fs (NM_133437.4); short protein forms A29287fs, A26719fs, A20222fs, A20414fs, A27646fs, A20347fs.
Identifiers: ClinVar variation 4786871 (VCV004786871.1).
Genomic context (GRCh38, chr2:178,557,403, plus strand): 5'-TAAGTCCAGCACTGATTGTTGTGACTTTGAAGTGAGTTGTGCGGATGACCAGTTTGTTGG[CT>C]TTTTGCCATAAAATACTGTTTCTGTCTTTCATTTCCAGGTGATAGCCTACGACTGCACTG-3'

ClinVar aggregate classification (germline): Likely pathogenic (1 of 4 stars; one submission).

Conditions:
Autosomal recessive limb-girdle muscular dystrophy type 2J (LGMDR10). Also called: Limb-girdle muscular dystrophy, type 2J; MUSCULAR DYSTROPHY, LIMB-GIRDLE, AUTOSOMAL RECESSIVE 10. Identifiers: Orphanet 140922, MedGen C1837342, MONDO:0012127, OMIM 608807.
Dilated cardiomyopathy 1G (CMD1G). Identifiers: Orphanet 154, MedGen C1858763, MONDO:0011400, OMIM 604145.

Submission:

Labcorp Genetics (formerly Invitae), Labcorp
Classification: Likely pathogenic for Dilated cardiomyopathy 1G; Autosomal recessive limb-girdle muscular dystrophy type 2J. Last evaluated: 2025-12-01. Review status: criteria provided, single submitter. Criteria: Invitae Variant Classification Sherloc (09022015). Collection method: clinical testing. Allele origin: germline.
Comment: This sequence change creates a premature translational stop signal (p.Ala29287Profs*114) in the TTN gene. While this is not anticipated to result in nonsense mediated decay, it is expected to create a truncated TTN protein. This variant is not present in population databases (gnomAD no frequency). This variant has not been reported in the literature in individuals affected with TTN-related conditions. This variant is located in the A band of TTN (PMID: 25589632). Truncating variants in this region are significantly overrepresented in patients affected with dilated cardiomyopathy (PMID: 25589632). Truncating variants in this region have also been reported in individuals affected with autosomal recessive centronuclear myopathy (PMID: 23975875). In summary, the currently available evidence indicates that the variant is pathogenic, but additional data are needed to prove that conclusively. Therefore, this variant has been classified as Likely Pathogenic.

Literature cited by the submitters: PubMed 25589632; PubMed 23975875.